The following is an entry in ClinVar:

NM_018122.5(DARS2):c.795T>C (p.Tyr265=)

Gene: DARS2 (aspartyl-tRNA synthetase 2, mitochondrial; plus strand). Cytogenetic location: 1q25.1.
Variant type: single nucleotide variant.
Coding change: c.795T>C on transcript NM_018122.5 (MANE Select); coding-DNA position 795, T replaced by C.
Protein change: p.Tyr265=; no amino-acid change (tyrosine 265 retained).
Molecular consequence: synonymous variant.
Genome position (GRCh38, 1-based): chr1:173,838,214, T>C. VCF-style: chr1-173838214-T-C. GRCh37 (hg19) VCF-style: chr1-173807352-T-C.
Other names: c.795T>C, p.Tyr265= (NM_001365212.1, NM_001365213.2).
Identifiers: ClinVar variation 3051074 (VCV003051074.2), dbSNP rs368088711, ClinGen allele CA1250240.

ClinVar aggregate classification (germline): Likely benign (0 of 4 stars; one submission).

Conditions:
DARS2-related disorder. Also called: DARS2-related condition.

Allele frequency attached by ClinVar (database versions not stated): TOPMed below 0.00001; gnomAD 0.00001; gnomAD exomes 0.00001; ExAC 0.00002; ESP Exome Variant Server 0.00008.

Submission:

PreventionGenetics, part of Exact Sciences
Classification: Likely benign for DARS2-related condition. Last evaluated: 2020-01-14. Review status: no assertion criteria provided. Collection method: clinical testing. Allele origin: germline.
Comment: This variant is classified as likely benign based on ACMG/AMP sequence variant interpretation guidelines (Richards et al. 2015 PMID: 25741868, with internal and published modifications).